The following is an entry in ClinVar:

ClinVar aggregate classification (germline): Uncertain significance. Review status: criteria provided, multiple submitters, no conflicts (2 of 4 stars). 4 submissions from 4 submitters: Uncertain significance (4). Last evaluated 2025-09-25.

Conditions:
Fanconi anemia (FA). Also called: Fanconi's anemia. Identifiers: Orphanet 84, MedGen C0015625, MeSH D005199, MONDO:0019391.
Spermatogenic failure 28. Identifiers: MedGen C4748117, MONDO:0054732, OMIM 618086.
Premature ovarian failure 15. Identifiers: MedGen C4748170, MONDO:0054862, OMIM 618096.

Allele frequency attached by ClinVar (database versions not stated): gnomAD exomes 0.00002 and 0.00004; ExAC 0.00003; TOPMed 0.00003; gnomAD 0.00005 and 0.00006.

Submissions (4):

GeneDx
Classification: Uncertain significance. Last evaluated: 2025-09-25. Review status: criteria provided, single submitter. Criteria: GeneDx Variant Classification Process June 2021. Collection method: clinical testing. Allele origin: germline. Affected: yes.
Comment: Not observed at significant frequency in large population cohorts (gnomAD); In silico analysis supports that this missense variant has a deleterious effect on protein structure/function; Observed in individuals with ovarian cancer as well as unaffected controls (PMID: 28881617); This variant is associated with the following publications: (PMID: 28881617)

Labcorp Genetics (formerly Invitae), Labcorp
Classification: Uncertain significance for Fanconi anemia. Last evaluated: 2024-04-25. Review status: criteria provided, single submitter. Criteria: Invitae Variant Classification Sherloc (09022015). Collection method: clinical testing. Allele origin: germline.
Comment: This sequence change replaces glutamic acid, which is acidic and polar, with glycine, which is neutral and non-polar, at codon 1244 of the FANCM protein (p.Glu1244Gly). This variant is present in population databases (rs746030136, gnomAD 0.008%). This variant has not been reported in the literature in individuals affected with FANCM-related conditions. ClinVar contains an entry for this variant (Variation ID: 566886). Algorithms developed to predict the effect of missense changes on protein structure and function output the following: SIFT: "Not Available"; PolyPhen-2: "Benign"; Align-GVGD: "Not Available". The glycine amino acid residue is found in multiple mammalian species, which suggests that this missense change does not adversely affect protein function. In summary, the available evidence is currently insufficient to determine the role of this variant in disease. Therefore, it has been classified as a Variant of Uncertain Significance.

Fulgent Genetics
Classification: Uncertain significance for Spermatogenic failure 28; Premature ovarian failure 15. Last evaluated: 2021-10-15. Review status: criteria provided, single submitter. Criteria: ACMG Guidelines, 2015. Collection method: clinical testing. Allele origin: unknown.

Center for Genomics, Ann and Robert H. Lurie Children's Hospital of Chicago
Classification: Uncertain significance for Premature ovarian failure 15; Spermatogenic failure 28. Review status: criteria provided, single submitter. Criteria: ACMG Guidelines, 2015. Collection method: clinical testing. Allele origin: germline.
Comment: FANCM NM_020937.3 exon 14 p.Glu1244Gly (c.3731A>G): This variant has not been reported in the literature but is present in 3/125158 European alleles in the Genome Aggregation Database. Evolutionary conservation and computational predictive tools for this variant are unclear. In summary, data on this variant is insufficient for disease classification. Therefore, the clinical significance of this variant is uncertain.

NM_020937.4(FANCM):c.3731A>G (p.Glu1244Gly)

Gene: FANCM (FA complementation group M; plus strand). Cytogenetic location: 14q21.2.
Variant type: single nucleotide variant.
Coding change: c.3731A>G on transcript NM_020937.4 (MANE Select); coding-DNA position 3731, A replaced by G.
Protein change: p.Glu1244Gly; replaces glutamic acid 1244 with glycine.
Molecular consequence: missense variant.
Genome position (GRCh38, 1-based): chr14:45,176,485, A>G. VCF-style: chr14-45176485-A-G. GRCh37 (hg19) VCF-style: chr14-45645688-A-G.
Other names: c.3731A>G (LRG_502t1); c.3653A>G, p.Glu1218Gly (NM_001308133.2); short protein forms E1244G, E1218G.
Identifiers: ClinVar variation 566886 (VCV000566886.19), dbSNP rs746030136, ClinGen allele CA7169559.